The following is an entry in ClinVar:

NM_025132.4(WDR19):c.8G>A (p.Arg3His)

Gene: WDR19 (WD repeat domain 19; plus strand). Cytogenetic location: 4p14.
Variant type: single nucleotide variant.
Coding change: c.8G>A on transcript NM_025132.4 (MANE Select); coding-DNA position 8, G replaced by A.
Protein change: p.Arg3His; replaces arginine 3 with histidine.
Molecular consequence: missense variant. On other transcripts: 5 prime UTR variant (1).
Genome position (GRCh38, 1-based): chr4:39,185,727, G>A. VCF-style: chr4-39185727-G-A. GRCh37 (hg19) VCF-style: chr4-39187347-G-A.
Other names: c.-357G>A (NM_001317924.2); short protein forms R3H.
Identifiers: ClinVar variation 1044527 (VCV001044527.9), dbSNP rs922584346, ClinGen allele CA356630198.
Genomic context (GRCh38, chr4:39,185,727, plus strand): 5'-TTCTGATCAACACTTGATTGTATGTTTTGAAAATATTAAAAATTGTGTTTATTTTTTAGC[G>A]TATTTTCTCACTGCTAGAAAAGACTTGGCTTGGCGCACCAATACAGTTTGCCTGGCAAAA-3'
Protein context (NP_079408.3, residues 1-13): MK[Arg3His]IFSLLEKTWL

ClinVar aggregate classification (germline): Uncertain significance. Review status: criteria provided, multiple submitters, no conflicts (2 of 4 stars). 3 submissions from 3 submitters: Uncertain significance (3). Last evaluated 2024-10-03.

Conditions:
Asphyxiating thoracic dystrophy 5 (SRTD5). Also called: SHORT-RIB THORACIC DYSPLASIA 5 WITH OR WITHOUT POLYDACTYLY; SHORT-RIB THORACIC DYSPLASIA 5 WITHOUT POLYDACTYLY. Identifiers: Orphanet 474, MedGen C3280598, MONDO:0013717, OMIM 614376.
Senior-Loken syndrome 8 (SLSN8). Identifiers: Orphanet 3156, MedGen C4225376, MONDO:0014579, OMIM 616307.
Nephronophthisis 13 (NPHP13). Identifiers: Orphanet 655, MedGen C3280612, MONDO:0013718, OMIM 614377.
Spermatogenic failure 72 (SPGF72). Identifiers: MedGen C5676980, MONDO:0030809, OMIM 619867.
Cranioectodermal dysplasia 4 (CED4). Identifiers: Orphanet 1515, MedGen C3280616, MONDO:0013719, OMIM 614378.

Allele frequency attached by ClinVar (database versions not stated): gnomAD 0.00001; gnomAD exomes 0.00001; TOPMed 0.00002.
gnomAD v4.1: 14 of 1,553,092 alleles (0.0009%); highest among the groups gnomAD compares: East Asian, 0.017%; no homozygotes.

Submissions (3):

Labcorp Genetics (formerly Invitae), Labcorp
Classification: Uncertain significance for Senior-Loken syndrome 8; Asphyxiating thoracic dystrophy 5. Last evaluated: 2024-10-03. Review status: criteria provided, single submitter. Criteria: Invitae Variant Classification Sherloc (09022015). Collection method: clinical testing. Allele origin: germline.
Comment: This sequence change replaces arginine, which is basic and polar, with histidine, which is basic and polar, at codon 3 of the WDR19 protein (p.Arg3His). The frequency data for this variant in the population databases is considered unreliable, as metrics indicate poor data quality at this position in the gnomAD database. This variant has not been reported in the literature in individuals affected with WDR19-related conditions. ClinVar contains an entry for this variant (Variation ID: 1044527). Invitae Evidence Modeling of protein sequence and biophysical properties (such as structural, functional, and spatial information, amino acid conservation, physicochemical variation, residue mobility, and thermodynamic stability) indicates that this missense variant is not expected to disrupt WDR19 protein function with a negative predictive value of 80%. In summary, the available evidence is currently insufficient to determine the role of this variant in disease. Therefore, it has been classified as a Variant of Uncertain Significance.

Blueprint Genetics
Classification: Uncertain significance. Last evaluated: 2024-05-30. Review status: criteria provided, single submitter. Criteria: ACMG Guidelines, 2015. Collection method: clinical testing. Allele origin: germline.

Fulgent Genetics
Classification: Uncertain significance for Asphyxiating thoracic dystrophy 5; Nephronophthisis 13; Cranioectodermal dysplasia 4; Senior-Loken syndrome 8; Spermatogenic failure 72. Last evaluated: 2021-08-25. Review status: criteria provided, single submitter. Criteria: ACMG Guidelines, 2015. Collection method: clinical testing. Allele origin: unknown.